The following is an entry in ClinVar:

ClinVar aggregate classification (germline): Uncertain significance (1 of 4 stars; one submission).

Conditions:
Inborn genetic diseases. Identifiers: MedGen C0950123, MeSH D030342.

gnomAD v4.1: 4 of 1,613,948 alleles (0.00025%); highest among the groups gnomAD compares: Non-Finnish European, 0.00034%; no homozygotes.

Submission:

Ambry Genetics
Classification: Uncertain significance for Inborn genetic diseases. Last evaluated: 2026-07-18. Review status: criteria provided, single submitter. Criteria: Ambry Variant Classification Scheme 2023. Collection method: clinical testing. Allele origin: germline.
Comment: The p.P701S variant (also known as c.2101C>T), located in coding exon 20 of the ANKRD26 gene, results from a C to T substitution at nucleotide position 2101. The proline at codon 701 is replaced by serine, an amino acid with similar properties. This amino acid position is conserved. In addition, this alteration is predicted to be tolerated by in silico analysis. Based on the available evidence, the clinical significance of this variant remains unclear.

NM_014915.3(ANKRD26):c.2101C>T (p.Pro701Ser)

Gene: ANKRD26 (ankyrin repeat domain 26; minus strand). Cytogenetic location: 10p12.1.
Variant type: single nucleotide variant.
Coding change: c.2101C>T on transcript NM_014915.3 (MANE Select); coding-DNA position 2101, C replaced by T.
Protein change: p.Pro701Ser; replaces proline 701 with serine.
Molecular consequence: missense variant.
Genome position (GRCh38, 1-based): chr10:27,043,486, G>A on the plus strand (C>T on the coding strand, the complement: ANKRD26 is on the minus strand). VCF-style: chr10-27043486-G-A. GRCh37 (hg19) VCF-style: chr10-27332415-G-A.
Other names: c.2098C>T, p.Pro700Ser (NM_001256053.2); short protein forms P700S, P701S.
Identifiers: ClinVar variation 5023147 (VCV005023147.1).